The following is an entry in ClinVar:

ClinVar aggregate classification (germline): Uncertain significance (1 of 4 stars; one submission).

Conditions:
Charcot-Marie-Tooth disease, type I (CMT1). Also called: Charcot-Marie-Tooth, Type 1; Charcot-Marie-Tooth disease type 1. Identifiers: Orphanet 65753, MedGen C0751036, MONDO:0019011.

Allele frequency attached by ClinVar (database versions not stated): gnomAD exomes below 0.00001.
gnomAD v4.1: 1 of 1,614,202 alleles (0.000062%); highest among the groups gnomAD compares: Non-Finnish European, 0.000085%; no homozygotes.

Submission:

Labcorp Genetics (formerly Invitae), Labcorp
Classification: Uncertain significance for Charcot-Marie-Tooth disease, type I. Last evaluated: 2017-05-24. Review status: criteria provided, single submitter. Criteria: Invitae Variant Classification Sherloc (09022015). Collection method: clinical testing. Allele origin: germline.
Comment: In summary, this variant has uncertain impact on EGR2 function. The available evidence is currently insufficient to determine its role in disease. Therefore, it has been classified as a Variant of Uncertain Significance. Algorithms developed to predict the effect of missense changes on protein structure and function (SIFT, PolyPhen-2, Align-GVGD) all suggest that this variant is likely to be tolerated, but these predictions have not been confirmed by published functional studies and their clinical significance is uncertain. This variant has not been reported in the literature in individuals with a EGR2-related disease. This variant is not present in population databases (ExAC no frequency). This sequence change replaces isoleucine with valine at codon 25 of the EGR2 protein (p.Ile25Val). The isoleucine residue is weakly conserved and there is a small physicochemical difference between isoleucine and valine.

NM_000399.5(EGR2):c.73A>G (p.Ile25Val)

Gene: EGR2 (early growth response 2; minus strand). Cytogenetic location: 10q21.3.
Variant type: single nucleotide variant.
Coding change: c.73A>G on transcript NM_000399.5 (MANE Select); coding-DNA position 73, A replaced by G.
Protein change: p.Ile25Val; replaces isoleucine 25 with valine.
Molecular consequence: missense variant. On other transcripts: 5 prime UTR variant (2).
Genome position (GRCh38, 1-based): chr10:62,815,957, T>C on the plus strand (A>G on the coding strand, the complement: EGR2 is on the minus strand). VCF-style: chr10-62815957-T-C. GRCh37 (hg19) VCF-style: chr10-64575717-T-C.
Other names: c.73A>G, p.Ile25Val (NM_001136177.3, NM_001136178.2); c.-78A>G (NM_001136179.3, NM_001321037.2); short protein forms I25V.
Identifiers: ClinVar variation 462786 (VCV000462786.8), dbSNP rs1178718119, ClinGen allele CA377034371.